The following is an entry in ClinVar:

ClinVar aggregate classification (germline): Conflicting classifications of pathogenicity. Review status: criteria provided, conflicting classifications (1 of 4 stars). 3 submissions from 3 submitters: Likely pathogenic (1); Uncertain significance (1). 1 of the submissions does not count toward it. Last evaluated 2026-01-01.

Conditions:
Osteogenesis imperfecta type 8 (OI8). Identifiers: MedGen C1970458, MONDO:0012581, OMIM 610915.

Submissions (3):

Labcorp Genetics (formerly Invitae), Labcorp
Classification: Likely pathogenic for Osteogenesis imperfecta type 8. Last evaluated: 2026-01-01. Review status: criteria provided, single submitter. Criteria: Invitae Variant Classification Sherloc (09022015). Collection method: clinical testing. Allele origin: germline.
Comment: This sequence change is expected to alter the c-terminus of the P3H1 protein (p.Leu725Glnfs*22). While this is not anticipated to result in nonsense mediated decay, it is expected to disrupt the last 12 amino acid(s) of the P3H1 protein and extend the protein by 9 additional amino acid residues. This variant is not present in population databases (gnomAD no frequency). This variant has not been reported in the literature in individuals affected with P3H1-related conditions. ClinVar contains an entry for this variant (Variation ID: 800999). Algorithms developed to predict the effect of sequence changes on RNA splicing suggest that this variant may create or strengthen a splice site. This variant disrupts the KDEL domain (p.Lys733-p.Leu736) of the P3H1 protein that is required for the cellular retention and activity of certain types of proteins (PMID: 3545499). In summary, the currently available evidence indicates that the variant is pathogenic, but additional data are needed to prove that conclusively. Therefore, this variant has been classified as Likely Pathogenic.

Neuberg Centre For Genomic Medicine, NCGM
Classification: Uncertain significance for Osteogenesis imperfecta type 8. Review status: criteria provided, single submitter. Criteria: ACMG Guidelines, 2015. Collection method: clinical testing. Allele origin: germline. Inheritance: Autosomal recessive inheritance. Affected: yes.
Comment: The frameshift variant c.2174_2177del (p.Leu725GlnfsTer22) in the P3H1 gene has not been reported previously as a pathogenic variant nor as a benign variant, to our knowledge. The variant is absent in the gnomAD Exomes. It has been submitted to ClinVar as Likely Pathogenic/ Uncertain significance. This variant causes a frameshift starting with codon Leucine 725, changes this amino acid to Glutamine residue, and creates a premature Stop codon at position 22 of the new reading frame. This variant is predicted to cause a loss of normal protein function through protein truncation. Loss of function variants has been previously reported to be disease-causing (Essawi et al., 2018). However this variant is in last exon, further evidence is required to prove protein truncation. For these reasons, this variant has been classified as uncertained significance.

Biochemical Molecular Genetic Laboratory, King Abdulaziz Medical City
Classification: Uncertain significance for Osteogenesis imperfecta type 8. Last evaluated: 2019-09-26. Review status: no assertion criteria provided. Collection method: clinical testing. Allele origin: germline. Affected: yes. Not counted in ClinVar's aggregate classification.

Literature cited by the submitters: PubMed 3545499 (cited by Labcorp Genetics (formerly Invitae), Labcorp).

NM_022356.4(P3H1):c.2174_2177del (p.Leu725fs)

Gene: P3H1 (prolyl 3-hydroxylase 1; minus strand). Cytogenetic location: 1p34.2.
Variant type: Microsatellite.
Coding change: c.2174_2177del on transcript NM_022356.4 (MANE Select); coding-DNA positions 2174 to 2177, 4 bases deleted (TCTC; older notation c.2174_2177delTCTC).
Protein change: p.Leu725fs; shifts the reading frame from leucine 725.
Molecular consequence: frameshift variant. On other transcripts: 3 prime UTR variant (2).
Genome position (GRCh38, 1-based): chr1:42,746,731-42,746,734, GAGA deleted on the plus strand (TCTC on the coding strand, the reverse complement: P3H1 is on the minus strand); deleting any 4 consecutive bases within chr1:42,746,731-42,746,738 gives the same sequence; the c. name uses the placement nearest the transcript's 3' end. VCF-style (leftmost placement, unchanged base first): chr1-42746730-TGAGA-T. GRCh37 (hg19) VCF-style: chr1-43212401-TGAGA-T.
Other names: c.*95TC[2] (NM_001146289.2); c.*174TC[2] (NM_001243246.2); short protein forms L725fs.
Identifiers: ClinVar variation 800999 (VCV000800999.6), dbSNP rs1570452214, ClinGen allele CA915941217.
Genomic context (GRCh38, chr1:42,746,730, plus strand): 5'-TCACCCATCCGTCTGACCTGGACGCTGTCATAGCTCATCCTTGGGCTTCGATTCACTGCC[TGAGA>T]GAGACTCTTGTGCAGGTTCGGGGGGGCCCTGCTGGGCATCCAGGGGCTGCTCCTGGGAGA-3'